The following is an entry in ClinVar:

ClinVar aggregate classification (germline): Uncertain significance (1 of 4 stars; one submission).

Conditions:
Severe combined immunodeficiency due to DNA-PKcs deficiency. Also called: IMMUNODEFICIENCY 26 WITH NEUROLOGIC ABNORMALITIES; Immunodeficiency 26 with or without neurologic abnormalities. Identifiers: Orphanet 317425, MedGen C4014833, MONDO:0014423, OMIM 615966.

Submission:

Labcorp Genetics (formerly Invitae), Labcorp
Classification: Uncertain significance for Severe combined immunodeficiency due to DNA-PKcs deficiency. Last evaluated: 2022-06-13. Review status: criteria provided, single submitter. Criteria: Invitae Variant Classification Sherloc (09022015). Collection method: clinical testing. Allele origin: germline.
Comment: This sequence change replaces glutamine, which is neutral and polar, with glutamic acid, which is acidic and polar, at codon 1716 of the PRKDC protein (p.Gln1716Glu). This variant is not present in population databases (gnomAD no frequency). This variant has not been reported in the literature in individuals affected with PRKDC-related conditions. Experimental studies and prediction algorithms are not available or were not evaluated, and the functional significance of this variant is currently unknown. In summary, the available evidence is currently insufficient to determine the role of this variant in disease. Therefore, it has been classified as a Variant of Uncertain Significance.

NM_006904.7(PRKDC):c.5146C>G (p.Gln1716Glu)

Gene: PRKDC (protein kinase, DNA-activated, catalytic subunit; minus strand). Cytogenetic location: 8q11.21.
Variant type: single nucleotide variant.
Coding change: c.5146C>G on transcript NM_006904.7 (MANE Select); coding-DNA position 5146, C replaced by G.
Protein change: p.Gln1716Glu; replaces glutamine 1716 with glutamic acid.
Molecular consequence: missense variant.
Genome position (GRCh38, 1-based): chr8:47,879,580, G>C on the plus strand (C>G on the coding strand, the complement: PRKDC is on the minus strand). VCF-style: chr8-47879580-G-C. GRCh37 (hg19) VCF-style: chr8-48792141-G-C.
Other names: c.5146C>G, p.Gln1716Glu (NM_001081640.2); short protein forms Q1716E.
Identifiers: ClinVar variation 1517685 (VCV001517685.8), dbSNP rs2154501398, ClinGen allele CA371138640.